The following is an entry in ClinVar:

NM_006206.6(PDGFRA):c.2775-17G>T

Gene: PDGFRA (platelet derived growth factor receptor alpha; plus strand). Cytogenetic location: 4q12.
Variant type: single nucleotide variant.
Coding change: c.2775-17G>T on transcript NM_006206.6 (MANE Select); 17 bases into the intron before coding-DNA position 2775, G replaced by T.
Molecular consequence: intron variant.
Genome position (GRCh38, 1-based): chr4:54,288,992, G>T. VCF-style: chr4-54288992-G-T. GRCh37 (hg19) VCF-style: chr4-55155159-G-T.
Other names: c.2850-17G>T (NM_001347828.2); c.2775-17G>T (NM_001347829.2); c.2814-17G>T (NM_001347830.2).
Identifiers: ClinVar variation 4735833 (VCV004735833.1).

ClinVar aggregate classification (germline): Uncertain significance (1 of 4 stars; one submission).

Conditions:
Gastrointestinal stromal tumor. Also called: Gastrointestinal stromal tumor, somatic; Gastrointestinal stroma tumor. Identifiers: Orphanet 44890, MedGen C0238198, MeSH D046152, MONDO:0011719, OMIM 606764, HP:0100723.

Submission:

Labcorp Genetics (formerly Invitae), Labcorp
Classification: Uncertain significance for Gastrointestinal stromal tumor. Last evaluated: 2026-01-20. Review status: criteria provided, single submitter. Criteria: Invitae Variant Classification Sherloc (09022015). Collection method: clinical testing. Allele origin: germline.
Comment: This sequence change falls in intron 20 of the PDGFRA gene. It does not directly change the encoded amino acid sequence of the PDGFRA protein. This variant is not present in population databases (gnomAD no frequency). This variant has not been reported in the literature in individuals affected with PDGFRA-related conditions. Algorithms developed to predict the effect of sequence changes on RNA splicing suggest that this variant may create or strengthen a splice site. In summary, the available evidence is currently insufficient to determine the role of this variant in disease. Therefore, it has been classified as a Variant of Uncertain Significance.